The following is an entry in ClinVar:

ClinVar aggregate classification (germline): Uncertain significance (1 of 4 stars; one submission).

Submission:

GeneDx
Classification: Uncertain significance. Last evaluated: 2025-06-16. Review status: criteria provided, single submitter. Criteria: GeneDx Variant Classification Process June 2021. Collection method: clinical testing. Allele origin: germline. Affected: yes.
Comment: Not observed at significant frequency in large population cohorts (gnomAD); In silico analysis supports a deleterious effect on splicing; Has not been previously published as pathogenic or benign to our knowledge

NM_001009944.3(PKD1):c.10618+5G>T

Genes: PKD1 (polycystin 1, transient receptor potential channel interacting; minus strand), PKD1-AS1 (PKD1 antisense RNA 1; plus strand). Cytogenetic location: 16p13.3.
Variant type: single nucleotide variant.
Coding change: c.10618+5G>T on transcript NM_001009944.3 (MANE Select); 5 bases into the intron after coding-DNA position 10618, G replaced by T.
Molecular consequence: intron variant.
Genome position (GRCh38, 1-based): chr16:2,094,087, C>A on the plus strand (G>T on the coding strand, the complement: PKD1 is on the minus strand). VCF-style: chr16-2094087-C-A. GRCh37 (hg19) VCF-style: chr16-2144088-C-A.
Other names: c.10615+5G>T (NM_000296.4).
Identifiers: ClinVar variation 4538651 (VCV004538651.1).
Genomic context (GRCh38, chr16:2,094,087, plus strand): 5'-GACAGACCTGTGAGAGGCAGCTCACAGGGAGGGGCTAGGGGCATCCCGGGGCTACGCAAG[C>A]ACACCTGTCCTGGACAGCCTCGCTGCCTGGGGCTGTTCCCAGTTCAGGCCTGGGCTGGGT-3'